The following is an entry in ClinVar:

ClinVar aggregate classification (germline): Uncertain significance (1 of 4 stars; one submission).

Conditions:
Hereditary cancer-predisposing syndrome. Also called: Tumor predisposition; Hereditary Cancer Syndrome; Hereditary neoplastic syndrome; Neoplastic Syndromes, Hereditary. Identifiers: Orphanet 140162, MedGen C0027672, MeSH D009386, MONDO:0015356.

Submission:

Ambry Genetics
Classification: Uncertain significance for Hereditary cancer-predisposing syndrome. Last evaluated: 2024-06-08. Review status: criteria provided, single submitter. Criteria: Ambry Variant Classification Scheme 2023. Collection method: clinical testing. Allele origin: germline.
Comment: The p.Q449P variant (also known as c.1346A>C), located in coding exon 10 of the NBN gene, results from an A to C substitution at nucleotide position 1346. The glutamine at codon 449 is replaced by proline, an amino acid with similar properties. This amino acid position is conserved. In addition, this alteration is predicted to be tolerated by in silico analysis. Based on the available evidence, the clinical significance of this variant remains unclear.

NM_002485.5(NBN):c.1346A>C (p.Gln449Pro)

Gene: NBN (nibrin; minus strand). Cytogenetic location: 8q21.3.
Variant type: single nucleotide variant.
Coding change: c.1346A>C on transcript NM_002485.5 (MANE Select); coding-DNA position 1346, A replaced by C.
Protein change: p.Gln449Pro; replaces glutamine 449 with proline.
Molecular consequence: missense variant.
Genome position (GRCh38, 1-based): chr8:89,955,334, T>G on the plus strand (A>C on the coding strand, the complement: NBN is on the minus strand). VCF-style: chr8-89955334-T-G. GRCh37 (hg19) VCF-style: chr8-90967562-T-G.
Other names: c.1100A>C, p.Gln367Pro (NM_001024688.3); short protein forms Q367P, Q449P.
Identifiers: ClinVar variation 3298638 (VCV003298638.1).